The following is an entry in ClinVar:

NM_024675.4(PALB2):c.3202-14T>G

Gene: PALB2 (partner and localizer of BRCA2; minus strand). Cytogenetic location: 16p12.2.
Variant type: single nucleotide variant.
Coding change: c.3202-14T>G on transcript NM_024675.4 (MANE Select); 14 bases into the intron before coding-DNA position 3202, T replaced by G.
Molecular consequence: intron variant.
Genome position (GRCh38, 1-based): chr16:23,608,026, A>C on the plus strand (T>G on the coding strand, the complement: PALB2 is on the minus strand). VCF-style: chr16-23608026-A-C. GRCh37 (hg19) VCF-style: chr16-23619347-A-C.
Other names: c.2229-4357T>G (NM_001407308.1, NM_001407309.1); c.2317-14T>G (NM_001407306.1, NM_001407305.1, NM_001407304.1); c.736-14T>G (NM_001407314.1); c.1414-4357T>G (NM_001407313.1); c.1414-14T>G (NM_001407312.1); c.3142-14T>G (NM_001407296.1); c.3130-14T>G (NM_001407297.1); c.3040-4357T>G (NM_001407302.1); and 6 more.
Identifiers: ClinVar variation 2858162 (VCV002858162.3), dbSNP rs2506219848, ClinGen allele CA2739266664.
Genomic context (GRCh38, chr16:23,608,026, plus strand): 5'-TCACTCTCTTTGGCACAGGGATGACTCAGGACAATAAAGAGAAGCCCCTAATTTCGGAGA[A>C]AAATAAATATCCCAAATAGACTGTCAAGAGTATGTCAGGAAAAATAAAGATCTGGCAGAG-3'

ClinVar aggregate classification (germline): Uncertain significance (1 of 4 stars; one submission).

Conditions:
Familial cancer of breast. Also called: Hereditary breast cancer; BREAST CANCER, FAMILIAL; hereditary breast carcinoma. Identifiers: Orphanet 227535, MedGen C0346153, MONDO:0016419, OMIM 114480. Disease mechanism: loss of function.

Submission:

Labcorp Genetics (formerly Invitae), Labcorp
Classification: Uncertain significance for Familial cancer of breast. Last evaluated: 2023-04-22. Review status: criteria provided, single submitter. Criteria: Invitae Variant Classification Sherloc (09022015). Collection method: clinical testing. Allele origin: germline.
Comment: In summary, the available evidence is currently insufficient to determine the role of this variant in disease. Therefore, it has been classified as a Variant of Uncertain Significance. Algorithms developed to predict the effect of sequence changes on RNA splicing suggest that this variant may disrupt the consensus splice site. This variant has not been reported in the literature in individuals affected with PALB2-related conditions. This variant is not present in population databases (gnomAD no frequency). This sequence change falls in intron 11 of the PALB2 gene. It does not directly change the encoded amino acid sequence of the PALB2 protein.